The following is an entry in ClinVar:

NM_183050.4(BCKDHB):c.560G>A (p.Gly187Asp)

Gene: BCKDHB (branched chain keto acid dehydrogenase E1 subunit beta; plus strand). Cytogenetic location: 6q14.1.
Variant type: single nucleotide variant.
Coding change: c.560G>A on transcript NM_183050.4 (MANE Select); coding-DNA position 560, G replaced by A.
Protein change: p.Gly187Asp; replaces glycine 187 with aspartic acid.
Molecular consequence: missense variant. On other transcripts: non-coding transcript variant (1).
Genome position (GRCh38, 1-based): chr6:80,168,957, G>A. VCF-style: chr6-80168957-G-A. GRCh37 (hg19) VCF-style: chr6-80878674-G-A.
Other names: c.560G>A, p.Gly187Asp (NM_000056.5); c.350G>A, p.Gly117Asp (NM_001318975.1); short protein forms G187D, G117D.
Identifiers: ClinVar variation 429468 (VCV000429468.2), dbSNP rs1131691399, ClinGen allele CA364657860.

ClinVar aggregate classification (germline): Likely pathogenic (1 of 4 stars; one submission).

Submission:

GeneDx
Classification: Likely pathogenic. Last evaluated: 2017-04-13. Review status: criteria provided, single submitter. Criteria: GeneDx Variant Classification (06012015). Collection method: clinical testing. Allele origin: germline. Affected: yes.
Comment: The G187D variant has not been published as a pathogenic variant, nor has it been reported as a benign variant to our knowledge. The G187D variant is not observed in large population cohorts (Lek et al., 2016; 1000 Genomes Consortium et al., 2015; Exome Variant Server). The G187D variant is a non-conservative amino acid substitution, which is likely to impact secondary protein structure as these residues differ in polarity, charge, size and/or other properties. This substitution occurs at a position that is conserved across species, and in silico analysis predicts this variant is probably damaging to the protein structure/function. In summary, we interpret G187D to be a likely pathogenic variant.